The following is an entry in ClinVar:

NM_001556.3(IKBKB):c.19C>A (p.Leu7Met)

Gene: IKBKB (inhibitor of nuclear factor kappa B kinase subunit beta; plus strand). Cytogenetic location: 8p11.21.
Variant type: single nucleotide variant.
Coding change: c.19C>A on transcript NM_001556.3 (MANE Select); coding-DNA position 19, C replaced by A.
Protein change: p.Leu7Met; replaces leucine 7 with methionine.
Molecular consequence: missense variant. On other transcripts: 5 prime UTR variant (1), non-coding transcript variant (3), intron variant (1).
Genome position (GRCh38, 1-based): chr8:42,272,119, C>A. VCF-style: chr8-42272119-C-A. GRCh37 (hg19) VCF-style: chr8-42129637-C-A.
Other names: c.-64C>A (NM_001242778.2); c.-88+650C>A (NM_001190720.3); short protein forms L7M.
Identifiers: ClinVar variation 4078994 (VCV004078994.2).

ClinVar aggregate classification (germline): Uncertain significance. Review status: criteria provided, multiple submitters, no conflicts (2 of 4 stars). 2 submissions from 2 submitters: Uncertain significance (2). Last evaluated 2025-09-24.

Conditions:
Severe combined immunodeficiency due to IKK2 deficiency. Also called: Immunodeficiency 15; IMMUNODEFICIENCY 15B. Identifiers: Orphanet 397787, MedGen C4747743, MONDO:0014267, OMIM 615592.

gnomAD v4.1: 1 of 1,614,170 alleles (0.000062%); highest among the groups gnomAD compares: Non-Finnish European, 0.000085%; no homozygotes.

Submissions (2):

Labcorp Genetics (formerly Invitae), Labcorp
Classification: Uncertain significance for Severe combined immunodeficiency due to IKK2 deficiency. Last evaluated: 2025-09-24. Review status: criteria provided, single submitter. Criteria: Invitae Variant Classification Sherloc (09022015). Collection method: clinical testing. Allele origin: germline.
Comment: This sequence change replaces leucine, which is neutral and non-polar, with methionine, which is neutral and non-polar, at codon 7 of the IKBKB protein (p.Leu7Met). This variant is not present in population databases (gnomAD no frequency). This variant has not been reported in the literature in individuals affected with IKBKB-related conditions. Invitae Evidence Modeling of protein sequence and biophysical properties (such as structural, functional, and spatial information, amino acid conservation, physicochemical variation, residue mobility, and thermodynamic stability) indicates that this missense variant is not expected to disrupt IKBKB protein function with a negative predictive value of 95%. In summary, the available evidence is currently insufficient to determine the role of this variant in disease. Therefore, it has been classified as a Variant of Uncertain Significance.

Revvity Omics, Revvity
Classification: Uncertain significance. Last evaluated: 2022-03-23. Review status: criteria provided, single submitter. Criteria: ACMG Guidelines, 2015. Collection method: clinical testing. Allele origin: germline.